The following is an entry in ClinVar:

NM_001844.5(COL2A1):c.1278C>T (p.Gly426=)

Gene: COL2A1 (collagen type II alpha 1 chain; minus strand). Cytogenetic location: 12q13.11.
Variant type: single nucleotide variant.
Coding change: c.1278C>T on transcript NM_001844.5 (MANE Select); coding-DNA position 1278, C replaced by T.
Protein change: p.Gly426=; no amino-acid change (glycine 426 retained).
Molecular consequence: synonymous variant.
Genome position (GRCh38, 1-based): chr12:47,987,165, G>A on the plus strand (C>T on the coding strand, the complement: COL2A1 is on the minus strand). VCF-style: chr12-47987165-G-A. GRCh37 (hg19) VCF-style: chr12-48380948-G-A.
Other names: c.1071C>T, p.Gly357= (NM_033150.3).
Identifiers: ClinVar variation 3346483 (VCV003346483.1).

ClinVar aggregate classification (germline): Likely benign (0 of 4 stars; one submission).

Conditions:
COL2A1-related disorder. Also called: COL2A1-related condition; COL2A1-related disorders.

Submission:

PreventionGenetics, part of Exact Sciences
Classification: Likely benign for COL2A1-related condition. Last evaluated: 2024-07-17. Review status: no assertion criteria provided. Collection method: clinical testing. Allele origin: germline.
Comment: This variant is classified as likely benign based on ACMG/AMP sequence variant interpretation guidelines (Richards et al. 2015 PMID: 25741868, with internal and published modifications).